The following is an entry in ClinVar:

ClinVar aggregate classification (germline): Uncertain significance (1 of 4 stars; one submission).

Conditions:
Pancreatic adenocarcinoma. Identifiers: MedGen C0281361, MONDO:0006047, HP:0006725.

Submission:

Labcorp Genetics (formerly Invitae), Labcorp
Classification: Uncertain significance for Pancreatic adenocarcinoma. Last evaluated: 2024-04-22. Review status: criteria provided, single submitter. Criteria: Invitae Variant Classification Sherloc (09022015). Collection method: clinical testing. Allele origin: germline.
Comment: This sequence change creates a premature translational stop signal (p.Phe525Leufs*46) in the PALLD gene. It is expected to result in an absent or disrupted protein product. However, the current clinical and genetic evidence is not sufficient to establish whether loss-of-function variants in PALLD cause disease. This variant is not present in population databases (gnomAD no frequency). This variant has not been reported in the literature in individuals affected with PALLD-related conditions. In summary, the available evidence is currently insufficient to determine the role of this variant in disease. Therefore, it has been classified as a Variant of Uncertain Significance.

NM_001166108.2(PALLD):c.3087del (p.Phe1029fs)

Genes: CBR4 (carbonyl reductase 4; minus strand), PALLD (palladin, cytoskeletal associated protein; plus strand). Cytogenetic location: 4q32.3.
Variant type: Deletion.
Coding change: c.3087del on transcript NM_001166108.2 (MANE Select); coding-DNA position 3087, one base deleted (T; older notation c.3087delT).
Protein change: p.Phe1029fs; shifts the reading frame from phenylalanine 1029.
Molecular consequence: frameshift variant.
Genome position (GRCh38, 1-based): chr4:168,924,283, T deleted; the last of 3 consecutive T bases (chr4:168,924,281-168,924,283); deleting any one gives the same sequence. VCF-style (leftmost placement, unchanged base first): chr4-168924280-GT-G. GRCh37 (hg19) VCF-style: chr4-169845431-GT-G.
Other names: c.1890del, p.Phe630fs (NM_001166109.2); c.1575del, p.Phe525fs (NM_001166110.2); c.915del, p.Phe305fs (NM_001367567.1, NM_001367569.1); c.966del, p.Phe322fs (NM_001367568.1, NM_001367570.1); c.3036del, p.Phe1012fs (NM_016081.4); short protein forms F1012fs, F1029fs, F305fs, F322fs, F630fs, F525fs.
Identifiers: ClinVar variation 3666890 (VCV003666890.2).